The following is an entry in ClinVar:

NM_002471.4(MYH6):c.712C>T (p.Arg238Trp)

Gene: MYH6 (myosin heavy chain 6; minus strand). Cytogenetic location: 14q11.2.
Variant type: single nucleotide variant.
Coding change: c.712C>T on transcript NM_002471.4 (MANE Select); coding-DNA position 712, C replaced by T.
Protein change: p.Arg238Trp; replaces arginine 238 with tryptophan.
Molecular consequence: missense variant.
Genome position (GRCh38, 1-based): chr14:23,404,319, G>A on the plus strand (C>T on the coding strand, the complement: MYH6 is on the minus strand). VCF-style: chr14-23404319-G-A. GRCh37 (hg19) VCF-style: chr14-23873528-G-A.
Other names: short protein forms R238W.
Identifiers: ClinVar variation 641785 (VCV000641785.8), dbSNP rs576154116, ClinGen allele CA7116060.

ClinVar aggregate classification (germline): Uncertain significance. Review status: criteria provided, multiple submitters, no conflicts (2 of 4 stars). 2 submissions from 2 submitters: Uncertain significance (2). Last evaluated 2024-10-18.

Conditions:
Hypertrophic cardiomyopathy 14. Identifiers: MedGen C2750467, MONDO:0013197, OMIM 613251.

Allele frequency attached by ClinVar (database versions not stated): gnomAD 0.00001; gnomAD exomes 0.00001 and 0.00002; ExAC 0.00002; 1000 Genomes Project 30x 0.00016; 1000 Genomes Project 0.00020.
gnomAD v4.1: 15 of 1,614,222 alleles (0.00093%); highest among the groups gnomAD compares: Admixed American, 0.005%; no homozygotes.

Submissions (2):

Labcorp Genetics (formerly Invitae), Labcorp
Classification: Uncertain significance for Hypertrophic cardiomyopathy 14. Last evaluated: 2024-10-18. Review status: criteria provided, single submitter. Criteria: Invitae Variant Classification Sherloc (09022015). Collection method: clinical testing. Allele origin: germline.
Comment: This sequence change replaces arginine, which is basic and polar, with tryptophan, which is neutral and slightly polar, at codon 238 of the MYH6 protein (p.Arg238Trp). This variant is present in population databases (rs576154116, gnomAD 0.009%). This variant has not been reported in the literature in individuals affected with MYH6-related conditions. ClinVar contains an entry for this variant (Variation ID: 641785). Invitae Evidence Modeling of protein sequence and biophysical properties (such as structural, functional, and spatial information, amino acid conservation, physicochemical variation, residue mobility, and thermodynamic stability) indicates that this missense variant is expected to disrupt MYH6 protein function with a positive predictive value of 80%. In summary, the available evidence is currently insufficient to determine the role of this variant in disease. Therefore, it has been classified as a Variant of Uncertain Significance.

GeneDx
Classification: Uncertain significance. Last evaluated: 2022-04-11. Review status: criteria provided, single submitter. Criteria: GeneDx Variant Classification Process June 2021. Collection method: clinical testing. Allele origin: germline. Affected: yes.
Comment: Has not been previously published as pathogenic or benign to our knowledge; Not observed at significant frequency in large population cohorts (gnomAD); In silico analysis supports that this missense variant has a deleterious effect on protein structure/function